The following is an entry in ClinVar:

ClinVar aggregate classification (germline): Uncertain significance (1 of 4 stars; one submission).

Submission:

Labcorp Genetics (formerly Invitae), Labcorp
Classification: Uncertain significance. Last evaluated: 2021-11-14. Review status: criteria provided, single submitter. Criteria: Invitae Variant Classification Sherloc (09022015). Collection method: clinical testing. Allele origin: germline.
Comment: In summary, the available evidence is currently insufficient to determine the role of this variant in disease. Therefore, it has been classified as a Variant of Uncertain Significance. Algorithms developed to predict the effect of missense changes on protein structure and function are either unavailable or do not agree on the potential impact of this missense change (SIFT: "Deleterious"; PolyPhen-2: "Possibly Damaging"; Align-GVGD: "Class C0"). This variant has not been reported in the literature in individuals affected with ADGRA3-related conditions. This variant is not present in population databases (gnomAD no frequency). This sequence change replaces arginine, which is basic and polar, with proline, which is neutral and non-polar, at codon 210 of the ADGRA3 protein (p.Arg210Pro).

NM_145290.4(ADGRA3):c.629G>C (p.Arg210Pro)

Gene: ADGRA3 (adhesion G protein-coupled receptor A3; minus strand). Cytogenetic location: 4p15.2.
Variant type: single nucleotide variant.
Coding change: c.629G>C on transcript NM_145290.4 (MANE Select); coding-DNA position 629, G replaced by C.
Protein change: p.Arg210Pro; replaces arginine 210 with proline.
Molecular consequence: missense variant.
Genome position (GRCh38, 1-based): chr4:22,445,050, C>G on the plus strand (G>C on the coding strand, the complement: ADGRA3 is on the minus strand). VCF-style: chr4-22445050-C-G. GRCh37 (hg19) VCF-style: chr4-22446673-C-G.
Other names: short protein forms R210P.
Identifiers: ClinVar variation 1351616 (VCV001351616.6), dbSNP rs141210874, ClinGen allele CA356478401.